The following is an entry in ClinVar:

ClinVar aggregate classification (germline): Uncertain significance (1 of 4 stars; one submission).

Submission:

Labcorp Genetics (formerly Invitae), Labcorp
Classification: Uncertain significance. Last evaluated: 2023-11-07. Review status: criteria provided, single submitter. Criteria: Invitae Variant Classification Sherloc (09022015). Collection method: clinical testing. Allele origin: germline.
Comment: This sequence change replaces threonine, which is neutral and polar, with alanine, which is neutral and non-polar, at codon 512 of the AP3D1 protein (p.Thr512Ala). This variant is not present in population databases (gnomAD no frequency). This variant has not been reported in the literature in individuals affected with AP3D1-related conditions. An algorithm developed to predict the effect of missense changes on protein structure and function (PolyPhen-2) suggests that this variant is likely to be tolerated. In summary, the available evidence is currently insufficient to determine the role of this variant in disease. Therefore, it has been classified as a Variant of Uncertain Significance.

NM_001261826.3(AP3D1):c.1534A>G (p.Thr512Ala)

Gene: AP3D1 (adaptor related protein complex 3 subunit delta 1; minus strand). Cytogenetic location: 19p13.3.
Variant type: single nucleotide variant.
Coding change: c.1534A>G on transcript NM_001261826.3 (MANE Select); coding-DNA position 1534, A replaced by G.
Protein change: p.Thr512Ala; replaces threonine 512 with alanine.
Molecular consequence: missense variant.
Genome position (GRCh38, 1-based): chr19:2,118,780, T>C on the plus strand (A>G on the coding strand, the complement: AP3D1 is on the minus strand). VCF-style: chr19-2118780-T-C. GRCh37 (hg19) VCF-style: chr19-2118779-T-C.
Other names: c.1534A>G, p.Thr512Ala (NM_001374799.1, NM_003938.8); short protein forms T512A.
Identifiers: ClinVar variation 2795775 (VCV002795775.3), dbSNP rs1356292437, ClinGen allele CA403221978.